The following is an entry in ClinVar:

NM_001288772.2(PIK3C2G):c.4045G>A (p.Ala1349Thr)

Gene: PIK3C2G (phosphatidylinositol-4-phosphate 3-kinase catalytic subunit type 2 gamma; plus strand). Cytogenetic location: 12p12.3.
Variant type: single nucleotide variant.
Coding change: c.4045G>A on transcript NM_001288772.2 (MANE Select); coding-DNA position 4045, G replaced by A.
Protein change: p.Ala1349Thr; replaces alanine 1349 with threonine.
Molecular consequence: missense variant.
Genome position (GRCh38, 1-based): chr12:18,594,527, G>A. VCF-style: chr12-18594527-G-A. GRCh37 (hg19) VCF-style: chr12-18747461-G-A.
Other names: c.3379G>A, p.Ala1127Thr (NM_001288774.2); c.3922G>A, p.Ala1308Thr (NM_004570.6); c.3922G>A (NM_004570.4); short protein forms A1127T, A1308T, A1349T.
Identifiers: ClinVar variation 2642765 (VCV002642765.25), dbSNP rs1243792370, ClinGen allele CA384289175.

ClinVar aggregate classification (germline): Uncertain significance. Review status: criteria provided, multiple submitters, no conflicts (2 of 4 stars). 2 submissions from 2 submitters: Uncertain significance (2). Last evaluated 2025-08-20.

Allele frequency attached by ClinVar (database versions not stated): TOPMed below 0.00001.

Submissions (2):

Ambry Genetics
Classification: Uncertain significance. Last evaluated: 2025-08-20. Review status: criteria provided, single submitter. Criteria: Ambry Variant Classification Scheme 2023. Collection method: clinical testing. Allele origin: germline.

CeGaT Center for Human Genetics Tuebingen
Classification: Uncertain significance. Last evaluated: 2023-02-01. Review status: criteria provided, single submitter. Criteria: CeGaT Center For Human Genetics Tuebingen Variant Classification Criteria Version 2. Collection method: clinical testing. Allele origin: germline. Affected: yes. Observed: 1 variant allele.
Comment: PIK3C2G: PM2, BP4